The following is an entry in ClinVar:

ClinVar aggregate classification (germline): Uncertain significance. Review status: criteria provided, single submitter (1 of 4 stars). 2 submissions from 2 submitters: Uncertain significance (1). 1 of the submissions does not count toward it. Last evaluated 2022-07-02.

Allele frequency attached by ClinVar (database versions not stated): ExAC 0.00002; gnomAD exomes 0.00002 and 0.00004; TOPMed 0.00002.
gnomAD v4.1: 61 of 1,613,476 alleles (0.0038%); highest among the groups gnomAD compares: Non-Finnish European, 0.005%; no homozygotes.

Submissions (2):

Labcorp Genetics (formerly Invitae), Labcorp
Classification: Uncertain significance. Last evaluated: 2022-07-02. Review status: criteria provided, single submitter. Criteria: Invitae Variant Classification Sherloc (09022015). Collection method: clinical testing. Allele origin: germline.
Comment: This sequence change replaces threonine, which is neutral and polar, with isoleucine, which is neutral and non-polar, at codon 127 of the IGF1 protein (p.Thr127Ile). This variant is present in population databases (rs776234219, gnomAD 0.004%). This variant has not been reported in the literature in individuals affected with IGF1-related conditions. ClinVar contains an entry for this variant (Variation ID: 1050050). Algorithms developed to predict the effect of missense changes on protein structure and function (SIFT, PolyPhen-2, Align-GVGD) all suggest that this variant is likely to be disruptive. In summary, the available evidence is currently insufficient to determine the role of this variant in disease. Therefore, it has been classified as a Variant of Uncertain Significance.

Department of Pathology and Laboratory Medicine, Sinai Health System
Classification: Uncertain significance. Review status: no assertion criteria provided. Collection method: clinical testing. Allele origin: unknown. Affected: yes. Study: The Canadian Open Genetics Repository (COGR). Not counted in ClinVar's aggregate classification.
Comment: The IGF1 p.Thr127Ile variant was not identified in the literature nor was it identified in ClinVar or LOVD 3.0. The variant was identified in dbSNP (ID: rs776234219) and Cosmic (FATHMM prediction: pathogenic; score=0.99). The variant was identified in control databases in 5 of 282052 chromosomes at a frequency of 0.000018 (Genome Aggregation Database Feb 27, 2017). The variant was observed in the European (non-Finnish) population in 5 of 128562 chromosomes (freq: 0.000039), but was not observed in the African, Latino, Ashkenazi Jewish, East Asian, European (Finnish), Other or South Asian populations. The p.Thr127 residue is conserved across mammals and other organisms, and computational analyses (PolyPhen-2, SIFT, AlignGVGD, BLOSUM, MutationTaster) suggest that the variant may impact the protein; however, this information is not predictive enough to assume pathogenicity. The variant occurs outside of the splicing consensus sequence and in silico or computational prediction software programs (SpliceSiteFinder, MaxEntScan, NNSPLICE, GeneSplicer) do not predict a difference in splicing. In summary, based on the above information the clinical significance of this variant cannot be determined with certainty at this time. This variant is classified as a variant of uncertain significance.

NM_000618.5(IGF1):c.380C>T (p.Thr127Ile)

Genes: LINC02456 (long intergenic non-protein coding RNA 2456; plus strand), IGF1 (insulin like growth factor 1; minus strand). Cytogenetic location: 12q23.2.
Variant type: single nucleotide variant.
Coding change: c.380C>T on transcript NM_000618.5 (MANE Select); coding-DNA position 380, C replaced by T.
Protein change: p.Thr127Ile; replaces threonine 127 with isoleucine.
Molecular consequence: missense variant.
Genome position (GRCh38, 1-based): chr12:102,419,531, G>A on the plus strand (C>T on the coding strand, the complement: IGF1 is on the minus strand). VCF-style: chr12-102419531-G-A. GRCh37 (hg19) VCF-style: chr12-102813309-G-A.
Other names: c.380C>T, p.Thr127Ile (NM_001111283.3, NM_001111285.3); c.332C>T, p.Thr111Ile (NM_001111284.2); short protein forms T111I, T127I.
Identifiers: ClinVar variation 1050050 (VCV001050050.3), dbSNP rs776234219, ClinGen allele CA6748557.